The following is an entry in ClinVar:

NM_005591.4(MRE11):c.1826dup (p.Thr610fs)

Gene: MRE11 (MRE11 double strand break repair nuclease; minus strand). Cytogenetic location: 11q21.
Variant type: Duplication.
Coding change: c.1826dup on transcript NM_005591.4 (MANE Select); coding-DNA position 1826, one base duplicated (A; older notation c.1826dupA).
Protein change: p.Thr610fs; shifts the reading frame from threonine 610.
Molecular consequence: frameshift variant. On other transcripts: intron variant (1).
Genome position (GRCh38, 1-based): chr11:94,445,851, T duplicated on the plus strand (A on the coding strand, the reverse complement: MRE11 is on the minus strand); the first of 3 consecutive T bases (chr11:94,445,851-94,445,853); duplicating any one gives the same sequence. VCF-style (leftmost placement, unchanged base first): chr11-94445850-C-CT. GRCh37 (hg19) VCF-style: chr11-94179016-C-CT.
Other names: c.1823dup, p.Thr609fs (NM_001330347.2); c.1783+1368dup (NM_005590.4); c.1826dupA (NM_005591.3); short protein forms T609fs, T610fs.
Identifiers: ClinVar variation 233221 (VCV000233221.5), dbSNP rs876660269, ClinGen allele CA10579363.
Genomic context (GRCh38, chr11:94,445,850, plus strand): 5'-CACTTGCAGTCTATACTCACCATCTATAATAGACATATTTCTAGATGCTGACACAGCAGT[C>CT]TTTGAGTTCCTGCTACGGGTAGAAGTCTCCAGACCAGTGTCTGCTGTTAGAAAAATGAAC-3'

ClinVar aggregate classification (germline): Pathogenic (1 of 4 stars; one submission).

Conditions:
Hereditary cancer-predisposing syndrome. Also called: Neoplastic Syndromes, Hereditary; Tumor predisposition; Hereditary Cancer Syndrome; Hereditary neoplastic syndrome. Identifiers: Orphanet 140162, MedGen C0027672, MeSH D009386, MONDO:0015356.

Submission:

Ambry Genetics
Classification: Pathogenic for Hereditary cancer-predisposing syndrome. Last evaluated: 2015-07-29. Review status: criteria provided, single submitter. Criteria: Ambry Variant Classification Scheme 2023. Collection method: clinical testing. Allele origin: germline.
Comment: The c.1826dupA pathogenic mutation, located in coding exon 15 of the MRE11A gene, results from a duplication of A at nucleotide position 1826, causing a translational frameshift with a predicted alternate stop codon. Since frameshifts are typically deleterious in nature, this alteration is interpreted as a disease-causing mutation (ACMG Recommendations for Standards for Interpretation and Reporting of Sequence Variations. Revision 2007. Genet Med. 2008;10:294).